The following is an entry in ClinVar:

NM_001363711.2(DUOX2):c.3970C>G (p.Pro1324Ala)

Gene: DUOX2 (dual oxidase 2; minus strand). Cytogenetic location: 15q21.1.
Variant type: single nucleotide variant.
Coding change: c.3970C>G on transcript NM_001363711.2 (MANE Select); coding-DNA position 3970, C replaced by G.
Protein change: p.Pro1324Ala; replaces proline 1324 with alanine.
Molecular consequence: missense variant.
Genome position (GRCh38, 1-based): chr15:45,095,938, G>C on the plus strand (C>G on the coding strand, the complement: DUOX2 is on the minus strand). VCF-style: chr15-45095938-G-C. GRCh37 (hg19) VCF-style: chr15-45388136-G-C.
Other names: c.3970C>G, p.Pro1324Ala (NM_014080.5); short protein forms P1324A.
Identifiers: ClinVar variation 1916541 (VCV001916541.5), dbSNP rs768317705, ClinGen allele CA392253699.
Genomic context (GRCh38, chr15:45,095,938, plus strand): 5'-TGAGGCGAGTGGTCCAGGGCCCCACTGCCCGGATGTGCAGGCTGAGTGTGTCCTCATGGG[G>C]CGCGGAGGTCAGTGTGAAGGGGTGGTACTCGGTGGTCCCCAGAGCCAGGCAGGCGATCCG-3'
Protein context (NP_001350640.1, residues 1314-1334): EYHPFTLTSA[Pro1324Ala]HEDTLSLHIR

ClinVar aggregate classification (germline): Uncertain significance (1 of 4 stars; one submission).

gnomAD v4.1: 2 of 1,614,040 alleles (0.00012%); highest among the groups gnomAD compares: Non-Finnish European, 0.00017%; no homozygotes.

Submission:

Labcorp Genetics (formerly Invitae), Labcorp
Classification: Uncertain significance. Last evaluated: 2024-10-16. Review status: criteria provided, single submitter. Criteria: Invitae Variant Classification Sherloc (09022015). Collection method: clinical testing. Allele origin: germline.
Comment: This sequence change replaces proline, which is neutral and non-polar, with alanine, which is neutral and non-polar, at codon 1324 of the DUOX2 protein (p.Pro1324Ala). This variant is not present in population databases (gnomAD no frequency). This variant has not been reported in the literature in individuals affected with DUOX2-related conditions. ClinVar contains an entry for this variant (Variation ID: 1916541). Invitae Evidence Modeling of protein sequence and biophysical properties (such as structural, functional, and spatial information, amino acid conservation, physicochemical variation, residue mobility, and thermodynamic stability) indicates that this missense variant is expected to disrupt DUOX2 protein function with a positive predictive value of 80%. In summary, the available evidence is currently insufficient to determine the role of this variant in disease. Therefore, it has been classified as a Variant of Uncertain Significance.